The following is an entry in ClinVar:

ClinVar aggregate classification (germline): Uncertain significance (1 of 4 stars; one submission).

Submission:

Greenwood Genetic Center Diagnostic Laboratories, Greenwood Genetic Center
Classification: Uncertain significance. Last evaluated: 2024-07-09. Review status: criteria provided, single submitter. Criteria: ACMG Guidelines, 2015. Collection method: clinical testing. Allele origin: germline. Affected: yes.
Comment: PM2, PM4

NM_018263.6(ASXL2):c.785_787del (p.Lys262del)

Gene: ASXL2 (ASXL transcriptional regulator 2; minus strand). Cytogenetic location: 2p23.3.
Variant type: Deletion.
Coding change: c.785_787del on transcript NM_018263.6 (MANE Select); coding-DNA positions 785 to 787, 3 bases deleted (AAA; older notation c.785_787delAAA).
Protein change: p.Lys262del; deletes lysine 262.
Genome position (GRCh38, 1-based): chr2:25,759,634-25,759,636, TTT deleted on the plus strand (AAA on the coding strand, the reverse complement: ASXL2 is on the minus strand); deleting any 3 consecutive bases within chr2:25,759,634-25,759,637 gives the same sequence; the c. name uses the placement nearest the transcript's 3' end. VCF-style (leftmost placement, unchanged base first): chr2-25759633-CTTT-C. GRCh37 (hg19) VCF-style: chr2-25982502-CTTT-C.
Other names: c.611_613del, p.Lys204del (NM_001369346.1); c.5_7del, p.Lys2del (NM_001369347.1); short protein forms K204del, K262del, K2del.
Identifiers: ClinVar variation 3765653 (VCV003765653.1).